The following is an entry in ClinVar:

ClinVar aggregate classification (germline): Uncertain significance. Review status: criteria provided, multiple submitters, no conflicts (2 of 4 stars). 4 submissions from 4 submitters: Uncertain significance (4). Last evaluated 2025-09-20.

Conditions:
MYH6-related disorder. Also called: MYH6-Related Disorders; MYH6-related condition.
Cardiovascular phenotype. Identifiers: MedGen CN230736.
Hypertrophic cardiomyopathy 14. Identifiers: MedGen C2750467, MONDO:0013197, OMIM 613251.

Allele frequency attached by ClinVar (database versions not stated): gnomAD exomes below 0.00001; ExAC 0.00001; gnomAD 0.00003; TOPMed 0.00004.
gnomAD v4.1: 9 of 1,613,288 alleles (0.00056%); highest among the groups gnomAD compares: African/African-American, 0.004%; no homozygotes.

Submissions (4):

Labcorp Genetics (formerly Invitae), Labcorp
Classification: Uncertain significance for Hypertrophic cardiomyopathy 14. Last evaluated: 2025-09-20. Review status: criteria provided, single submitter. Criteria: Invitae Variant Classification Sherloc (09022015). Collection method: clinical testing. Allele origin: germline.
Comment: This sequence change replaces arginine, which is basic and polar, with histidine, which is basic and polar, at codon 714 of the MYH6 protein (p.Arg714His). This variant is present in population databases (rs776602843, gnomAD 0.0009%). This variant has not been reported in the literature in individuals affected with MYH6-related conditions. ClinVar contains an entry for this variant (Variation ID: 312873). Invitae Evidence Modeling of protein sequence and biophysical properties (such as structural, functional, and spatial information, amino acid conservation, physicochemical variation, residue mobility, and thermodynamic stability) indicates that this missense variant is expected to disrupt MYH6 protein function with a positive predictive value of 80%. In summary, the available evidence is currently insufficient to determine the role of this variant in disease. Therefore, it has been classified as a Variant of Uncertain Significance.

Ambry Genetics
Classification: Uncertain significance for Cardiovascular phenotype. Last evaluated: 2025-08-28. Review status: criteria provided, single submitter. Criteria: Ambry Variant Classification Scheme 2023. Collection method: clinical testing. Allele origin: germline.
Comment: The p.R714H variant (also known as c.2141G>A), located in coding exon 16 of the MYH6 gene, results from a G to A substitution at nucleotide position 2141. The arginine at codon 714 is replaced by histidine, an amino acid with highly similar properties. This amino acid position is highly conserved in available vertebrate species. In addition, this alteration is predicted to be deleterious by in silico analysis. Since supporting evidence is limited at this time, the clinical significance of this alteration remains unclear.

PreventionGenetics, part of Exact Sciences
Classification: Uncertain significance for MYH6-related condition. Last evaluated: 2025-08-18. Review status: criteria provided, single submitter. Criteria: ACMG Guidelines, 2015. Collection method: clinical testing. Allele origin: germline.
Comment: The MYH6 c.2141G>A variant is predicted to result in the amino acid substitution p.Arg714His. To our knowledge, this variant has not been reported in the literature. This variant is reported in 0.00088% of alleles in individuals of European (Non-Finnish) descent in gnomAD. At this time, the clinical significance of this variant is uncertain due to the absence of conclusive functional and genetic evidence.

GeneDx
Classification: Uncertain significance. Last evaluated: 2024-10-16. Review status: criteria provided, single submitter. Criteria: GeneDx Variant Classification Process June 2021. Collection method: clinical testing. Allele origin: germline. Affected: yes.
Comment: Not observed at significant frequency in large population cohorts (gnomAD); In silico analysis supports that this missense variant has a deleterious effect on protein structure/function; Has not been previously published as pathogenic or benign to our knowledge

NM_002471.4(MYH6):c.2141G>A (p.Arg714His)

Gene: MYH6 (myosin heavy chain 6; minus strand). Cytogenetic location: 14q11.2.
Variant type: single nucleotide variant.
Coding change: c.2141G>A on transcript NM_002471.4 (MANE Select); coding-DNA position 2141, G replaced by A.
Protein change: p.Arg714His; replaces arginine 714 with histidine.
Molecular consequence: missense variant.
Genome position (GRCh38, 1-based): chr14:23,396,990, C>T on the plus strand (G>A on the coding strand, the complement: MYH6 is on the minus strand). VCF-style: chr14-23396990-C-T. GRCh37 (hg19) VCF-style: chr14-23866199-C-T.
Other names: short protein forms R714H.
Identifiers: ClinVar variation 312873 (VCV000312873.19), dbSNP rs776602843, ClinGen allele CA7115580.